The following is an entry in ClinVar:

ClinVar aggregate classification (germline): Pathogenic (1 of 4 stars; one submission).

Conditions:
Severe combined immunodeficiency due to DCLRE1C deficiency (RS-SCID). Also called: SCID, AUTOSOMAL RECESSIVE, T CELL-NEGATIVE, B CELL-NEGATIVE, NK CELL-POSITIVE, WITH SENSITIVITY TO IONIZING RADIATION. Identifiers: Orphanet 275, MedGen C1865371, MONDO:0011225, OMIM 602450.

Submission:

Labcorp Genetics (formerly Invitae), Labcorp
Classification: Pathogenic for Athabaskan severe combined immunodeficiency. Last evaluated: 2023-11-19. Review status: criteria provided, single submitter. Criteria: Invitae Variant Classification Sherloc (09022015). Collection method: clinical testing. Allele origin: germline.
Comment: This sequence change creates a premature translational stop signal (p.Ser220Valfs*4) in the DCLRE1C gene. It is expected to result in an absent or disrupted protein product. Loss-of-function variants in DCLRE1C are known to be pathogenic (PMID: 21664875, 26123418). This variant is not present in population databases (gnomAD no frequency). This variant has not been reported in the literature in individuals affected with DCLRE1C-related conditions. For these reasons, this variant has been classified as Pathogenic.

Literature cited by the submitters: PubMed 21664875; PubMed 26123418.

NM_001033855.3(DCLRE1C):c.655del (p.Ser220fs)

Gene: DCLRE1C (DNA cross-link repair 1C; minus strand). Cytogenetic location: 10p13.
Variant type: Deletion.
Coding change: c.655del on transcript NM_001033855.3 (MANE Select); coding-DNA position 655, one base deleted (C; older notation c.655delC).
Protein change: p.Ser220fs; shifts the reading frame from serine 220.
Molecular consequence: frameshift variant. On other transcripts: non-coding transcript variant (4).
Genome position (GRCh38, 1-based): chr10:14,934,403, G deleted on the plus strand (C on the coding strand, the reverse complement: DCLRE1C is on the minus strand); the first of 2 consecutive G bases (chr10:14,934,403-14,934,404); deleting either gives the same sequence. VCF-style (leftmost placement, unchanged base first): chr10-14934402-AG-A. GRCh37 (hg19) VCF-style: chr10-14976401-AG-A.
Other names: c.295del, p.Ser100fs (NM_001033857.3, NM_001033858.3, NM_001289077.2 and 2 more transcripts); c.310del, p.Ser105fs (NM_001289076.2, NM_001289078.2, NM_001350966.2 and 1 more transcripts); c.655del, p.Ser220fs (NM_001350965.2); short protein forms S105fs, S220fs, S100fs.
Identifiers: ClinVar variation 2767491 (VCV002767491.3), dbSNP rs2492024196, ClinGen allele CA2697558263.